The following is an entry in ClinVar:

NM_004329.3(BMPR1A):c.1042G>C (p.Glu348Gln)

Gene: BMPR1A (bone morphogenetic protein receptor type 1A; plus strand). Cytogenetic location: 10q23.2.
Variant type: single nucleotide variant.
Coding change: c.1042G>C on transcript NM_004329.3 (MANE Select); coding-DNA position 1042, G replaced by C.
Protein change: p.Glu348Gln; replaces glutamic acid 348 with glutamine.
Molecular consequence: missense variant.
Genome position (GRCh38, 1-based): chr10:86,919,345, G>C. VCF-style: chr10-86919345-G-C. GRCh37 (hg19) VCF-style: chr10-88679102-G-C.
Other names: short protein forms E348Q.
Identifiers: ClinVar variation 411621 (VCV000411621.11), dbSNP rs1060503398, ClinGen allele CA16612896.

ClinVar aggregate classification (germline): Uncertain significance. Review status: criteria provided, multiple submitters, no conflicts (2 of 4 stars). 2 submissions from 2 submitters: Uncertain significance (2). Last evaluated 2023-11-18.

Conditions:
Polyposis syndrome, hereditary mixed, 2. Identifiers: Orphanet 157794, MedGen C1864730, MONDO:0012405, OMIM 610069.
Juvenile polyposis syndrome (JPS). Identifiers: Orphanet 2929, MedGen C0345893, MONDO:0017380, OMIM 174900.

Allele frequency attached by ClinVar (database versions not stated): gnomAD exomes below 0.00001.
gnomAD v4.1: 2 of 1,613,428 alleles (0.00012%); highest among the groups gnomAD compares: South Asian, 0.0022%; no homozygotes.

Submissions (2):

Labcorp Genetics (formerly Invitae), Labcorp
Classification: Uncertain significance for Juvenile polyposis syndrome. Last evaluated: 2023-11-18. Review status: criteria provided, single submitter. Criteria: Invitae Variant Classification Sherloc (09022015). Collection method: clinical testing. Allele origin: germline.
Comment: This sequence change replaces glutamic acid, which is acidic and polar, with glutamine, which is neutral and polar, at codon 348 of the BMPR1A protein (p.Glu348Gln). This variant is not present in population databases (gnomAD no frequency). This variant has not been reported in the literature in individuals affected with BMPR1A-related conditions. ClinVar contains an entry for this variant (Variation ID: 411621). Advanced modeling of protein sequence and biophysical properties (such as structural, functional, and spatial information, amino acid conservation, physicochemical variation, residue mobility, and thermodynamic stability) performed at Invitae indicates that this missense variant is not expected to disrupt BMPR1A protein function with a negative predictive value of 80%. In summary, the available evidence is currently insufficient to determine the role of this variant in disease. Therefore, it has been classified as a Variant of Uncertain Significance.

Baylor Genetics
Classification: Uncertain significance for Polyposis syndrome, hereditary mixed, 2. Last evaluated: 2023-11-16. Review status: criteria provided, single submitter. Criteria: ACMG Guidelines, 2015. Collection method: clinical testing. Allele origin: unknown.